The following is an entry in ClinVar:

NM_004655.4(AXIN2):c.1883G>C (p.Arg628Pro)

Gene: AXIN2 (axin 2; minus strand). Cytogenetic location: 17q24.1.
Variant type: single nucleotide variant.
Coding change: c.1883G>C on transcript NM_004655.4 (MANE Select); coding-DNA position 1883, G replaced by C.
Protein change: p.Arg628Pro; replaces arginine 628 with proline.
Molecular consequence: missense variant. On other transcripts: intron variant (1).
Genome position (GRCh38, 1-based): chr17:65,536,893, C>G on the plus strand (G>C on the coding strand, the complement: AXIN2 is on the minus strand). VCF-style: chr17-65536893-C-G. GRCh37 (hg19) VCF-style: chr17-63533011-C-G.
Other names: c.1713-340G>C (NM_001363813.1); short protein forms R628P.
Identifiers: ClinVar variation 5032679 (VCV005032679.1).

ClinVar aggregate classification (germline): Uncertain significance (1 of 4 stars; one submission).

Conditions:
Hereditary cancer-predisposing syndrome. Also called: Neoplastic Syndromes, Hereditary; Tumor predisposition; Hereditary neoplastic syndrome; Hereditary Cancer Syndrome. Identifiers: Orphanet 140162, MedGen C0027672, MeSH D009386, MONDO:0015356.

Submission:

Ambry Genetics
Classification: Uncertain significance for Hereditary cancer-predisposing syndrome. Last evaluated: 2026-09-06. Review status: criteria provided, single submitter. Criteria: Ambry Variant Classification Scheme 2023. Collection method: clinical testing. Allele origin: germline.
Comment: The p.R628P variant (also known as c.1883G>C), located in coding exon 6 of the AXIN2 gene, results from a G to C substitution at nucleotide position 1883. The arginine at codon 628 is replaced by proline, an amino acid with dissimilar properties. This amino acid position is conserved. In addition, the in silico prediction for this alteration is inconclusive. Based on the available evidence, the clinical significance of this variant remains unclear.